The following is an entry in ClinVar:

ClinVar aggregate classification (germline): Pathogenic (1 of 4 stars; one submission).

Conditions:
Focal segmental glomerulosclerosis 1 (FSGS1). Identifiers: Orphanet 656, MedGen C4551527, MONDO:0011303, OMIM 603278.

Submission:

Victorian Clinical Genetics Services, Murdoch Childrens Research Institute
Classification: Pathogenic for Focal segmental glomerulosclerosis 1. Last evaluated: 2022-02-02. Review status: criteria provided, single submitter. Criteria: ACMG Guidelines, 2015. Collection method: clinical testing. Allele origin: germline. Inheritance: Autosomal dominant inheritance. Affected: yes.
Comment: Based on the classification scheme VCGS_Germline_v1.3.4, this variant is classified as Pathogenic. Following criteria are met: 0103 - Dominant negative and gain of function are suggested mechanisms of disease in this gene and are associated with glomerulosclerosis, focal segmental, 1, (MIM#603278). Functional analysis of missense variants within the binding domain demonstrates they result in both increased actin binding, and impaired wildtype protein localization with downstream consequences such as protein aggregates and inability to stimulate nuclear transcription. Loss of function is also a potential mechanism of disease for variants within the LXXLL motif (PMID: 10700177, PMID: 22351778, PMID: 26740551, PMID: 26301083). (I) 0107 - This gene is associated with autosomal dominant disease. (I) 0200 - Variant is predicted to result in a missense amino acid change from glycine to valine. (I) 0251 - This variant is heterozygous. (I) 0301 - Variant is absent from gnomAD (both v2 and v3). (SP) 0501 - Missense variant consistently predicted to be damaging by multiple in silico tools or highly conserved with a major amino acid change. (SP) 0603 - Missense variant in a region that is highly intolerant to missense variation (high constraint region in DECIPHER). (SP) 0704 - Another missense variant comparable to the one identified in this case has limited previous evidence for pathogenicity. This alternative change (p.(Gly195Asp)) has been reported as de novo in an individual with focal segmental glomerulosclerosis (PMID: 26740551). (SP) 0807 - This variant has no previous evidence of pathogenicity. (I) 0905 - No published segregation evidence has been identified for this variant. (I) 1007 - No published functional evidence has been identified for this variant. (SP) Legend: (SP) - Supporting pathogenic, (I) - Information, (SB) - Supporting benign

Literature cited by the submitters: PubMed 10700177; PubMed 22351778; PubMed 26301083; PubMed 26740551.

NM_004924.6(ACTN4):c.584G>T (p.Gly195Val)

Gene: ACTN4 (actinin alpha 4; plus strand). Cytogenetic location: 19q13.2.
Variant type: single nucleotide variant.
Coding change: c.584G>T on transcript NM_004924.6 (MANE Select); coding-DNA position 584, G replaced by T.
Protein change: p.Gly195Val; replaces glycine 195 with valine.
Molecular consequence: missense variant.
Genome position (GRCh38, 1-based): chr19:38,708,128, G>T. VCF-style: chr19-38708128-G-T. GRCh37 (hg19) VCF-style: chr19-39198768-G-T.
Other names: c.584G>T, p.Gly195Val (NM_001322033.2, NM_001411143.1); short protein forms G195V.
Identifiers: ClinVar variation 2500724 (VCV002500724.2), dbSNP rs878853159, ClinGen allele CA405692928.